The following is an entry in ClinVar:

ClinVar aggregate classification (germline): Uncertain significance. Review status: criteria provided, multiple submitters, no conflicts (2 of 4 stars). 2 submissions from 2 submitters: Uncertain significance (2). Last evaluated 2025-04-18.

Conditions:
Cardiovascular phenotype. Identifiers: MedGen CN230736.
RASopathy. Also called: rasopathies; Noonan spectrum disorder. Identifiers: Orphanet 536391, MedGen C5555857, MONDO:0021060.

Allele frequency attached by ClinVar (database versions not stated): gnomAD exomes below 0.00001; TOPMed 0.00001.
gnomAD v4.1: 4 of 1,612,652 alleles (0.00025%); highest among the groups gnomAD compares: Non-Finnish European, 0.00025%; no homozygotes.

Submissions (2):

Ambry Genetics
Classification: Uncertain significance for Cardiovascular phenotype. Last evaluated: 2025-04-18. Review status: criteria provided, single submitter. Criteria: Ambry Variant Classification Scheme 2023. Collection method: clinical testing. Allele origin: germline.
Comment: The p.I673V variant (also known as c.2017A>G), located in coding exon 12 of the CBL gene, results from an A to G substitution at nucleotide position 2017. The isoleucine at codon 673 is replaced by valine, an amino acid with highly similar properties. This amino acid position is conserved. In addition, the in silico prediction for this alteration is inconclusive. Based on the available evidence, the clinical significance of this variant remains unclear.

Labcorp Genetics (formerly Invitae), Labcorp
Classification: Uncertain significance for RASopathy. Last evaluated: 2022-03-13. Review status: criteria provided, single submitter. Criteria: Invitae Variant Classification Sherloc (09022015). Collection method: clinical testing. Allele origin: germline.
Comment: This sequence change replaces isoleucine, which is neutral and non-polar, with valine, which is neutral and non-polar, at codon 673 of the CBL protein (p.Ile673Val). This variant is present in population databases (no rsID available, gnomAD 0.004%). This variant has not been reported in the literature in individuals affected with CBL-related conditions. ClinVar contains an entry for this variant (Variation ID: 477703). Advanced modeling of protein sequence and biophysical properties (such as structural, functional, and spatial information, amino acid conservation, physicochemical variation, residue mobility, and thermodynamic stability) performed at Invitae indicates that this missense variant is not expected to disrupt CBL protein function. In summary, the available evidence is currently insufficient to determine the role of this variant in disease. Therefore, it has been classified as a Variant of Uncertain Significance.

NM_005188.4(CBL):c.2017A>G (p.Ile673Val)

Gene: CBL (Cbl proto-oncogene; plus strand). Cytogenetic location: 11q23.3.
Variant type: single nucleotide variant.
Coding change: c.2017A>G on transcript NM_005188.4 (MANE Select); coding-DNA position 2017, A replaced by G.
Protein change: p.Ile673Val; replaces isoleucine 673 with valine.
Molecular consequence: missense variant.
Genome position (GRCh38, 1-based): chr11:119,287,927, A>G. VCF-style: chr11-119287927-A-G. GRCh37 (hg19) VCF-style: chr11-119158637-A-G.
Other names: c.2017A>G (NM_005188.2); short protein forms I673V.
Identifiers: ClinVar variation 477703 (VCV000477703.9), dbSNP rs1439055502, ClinGen allele CA382922806.